The following is an entry in ClinVar:

NM_000465.4(BARD1):c.365-1G>T

Gene: BARD1 (BRCA1 associated RING domain 1; minus strand). Cytogenetic location: 2q35.
Variant type: single nucleotide variant.
Coding change: c.365-1G>T on transcript NM_000465.4 (MANE Select); the canonical splice acceptor site of the intron before coding-DNA position 365, G replaced by T.
Molecular consequence: splice acceptor variant. On other transcripts: intron variant (3).
Genome position (GRCh38, 1-based): chr2:214,781,510, C>A on the plus strand (G>T on the coding strand, the complement: BARD1 is on the minus strand). VCF-style: chr2-214781510-C-A. GRCh37 (hg19) VCF-style: chr2-215646234-C-A.
Other names: c.158+27902G>T (NM_001282548.2); c.308-1G>T (NM_001282543.2); c.215+15551G>T (NM_001282545.2); c.364+10787G>T (NM_001282549.2).
Identifiers: ClinVar variation 573119 (VCV000573119.11), dbSNP rs1559426428, ClinGen allele CA350458428.
Genomic context (GRCh38, chr2:214,781,510, plus strand): 5'-AATTCTTCTTGTTTCCTGCATCATTAAACAAACTTTTCCTAGGTTTATCTTCTTTCAAAT[C>A]TGACAGAAAAAAAGAAAAAGAAATCTGTTACATGAAATTTATTGCTCCCACATGGAGCTC-3'

ClinVar aggregate classification (germline): Likely pathogenic. Review status: criteria provided, multiple submitters, no conflicts (2 of 4 stars). 2 submissions from 2 submitters: Likely pathogenic (2). Last evaluated 2024-08-05.

Conditions:
Hereditary cancer-predisposing syndrome. Also called: Neoplastic Syndromes, Hereditary; Hereditary Cancer Syndrome; Tumor predisposition; Hereditary neoplastic syndrome. Identifiers: Orphanet 140162, MedGen C0027672, MeSH D009386, MONDO:0015356.
Familial cancer of breast. Also called: hereditary breast carcinoma; BREAST CANCER, FAMILIAL; Hereditary breast cancer. Identifiers: Orphanet 227535, MedGen C0346153, MONDO:0016419, OMIM 114480. Disease mechanism: loss of function.

Submissions (2):

Ambry Genetics
Classification: Likely pathogenic for Hereditary cancer-predisposing syndrome. Last evaluated: 2024-08-05. Review status: criteria provided, single submitter. Criteria: Ambry Variant Classification Scheme 2023. Collection method: clinical testing. Allele origin: germline.
Comment: The c.365-1G>T intronic variant results from a G to T substitution one nucleotide before coding exon 4 of the BARD1 gene. This variant is considered to be rare based on population cohorts in the Genome Aggregation Database (gnomAD). This nucleotide position is well conserved in available vertebrate species. In silico splice site analysis predicts that this alteration will weaken the native splice acceptor site; however, direct evidence is insufficient at this time (Ambry internal data). Alterations that disrupt the canonical splice site are expected to cause aberrant splicing, resulting in an abnormal protein or a transcript that is subject to nonsense-mediated mRNA decay. As such, this alteration is classified as likely pathogenic.

Labcorp Genetics (formerly Invitae), Labcorp
Classification: Likely pathogenic for Familial cancer of breast. Last evaluated: 2023-10-23. Review status: criteria provided, single submitter. Criteria: Invitae Variant Classification Sherloc (09022015). Collection method: clinical testing. Allele origin: germline.
Comment: This sequence change affects an acceptor splice site in intron 3 of the BARD1 gene. It is expected to disrupt RNA splicing. Variants that disrupt the donor or acceptor splice site typically lead to a loss of protein function (PMID: 16199547), and loss-of-function variants in BARD1 are known to be pathogenic (PMID: 20077502, 21344236). This variant is not present in population databases (gnomAD no frequency). This variant has not been reported in the literature in individuals affected with BARD1-related conditions. ClinVar contains an entry for this variant (Variation ID: 573119). Algorithms developed to predict the effect of sequence changes on RNA splicing suggest that this variant may disrupt the consensus splice site. In summary, the currently available evidence indicates that the variant is pathogenic, but additional data are needed to prove that conclusively. Therefore, this variant has been classified as Likely Pathogenic.

Literature cited by the submitters: PubMed 16199547 (cited by Labcorp Genetics (formerly Invitae), Labcorp); PubMed 20077502 (cited by Labcorp Genetics (formerly Invitae), Labcorp); PubMed 21344236 (cited by Labcorp Genetics (formerly Invitae), Labcorp).